The following is an entry in ClinVar:

ClinVar aggregate classification (germline): Uncertain significance (1 of 4 stars; one submission).

Conditions:
Neuronal ceroid lipofuscinosis. Also called: Neuronal Ceroid Lipofuscinoses. Identifiers: Orphanet 216, Orphanet 79263, MedGen C0027877, MONDO:0016295. Disease mechanism: loss of function.

Submission:

Labcorp Genetics (formerly Invitae), Labcorp
Classification: Uncertain significance for Neuronal ceroid lipofuscinosis. Last evaluated: 2021-08-14. Review status: criteria provided, single submitter. Criteria: Invitae Variant Classification Sherloc (09022015). Collection method: clinical testing. Allele origin: germline.
Comment: This sequence change replaces proline with glutamine at codon 259 of the CLN3 protein (p.Pro259Gln). The proline residue is weakly conserved and there is a moderate physicochemical difference between proline and glutamine. This variant is not present in population databases (ExAC no frequency). This variant has not been reported in the literature in individuals affected with CLN3-related conditions. Algorithms developed to predict the effect of missense changes on protein structure and function output the following: SIFT: "Tolerated"; PolyPhen-2: "Benign"; Align-GVGD: "Class C0". The glutamine amino acid residue is found in multiple mammalian species, which suggests that this missense change does not adversely affect protein function. In summary, the available evidence is currently insufficient to determine the role of this variant in disease. Therefore, it has been classified as a Variant of Uncertain Significance.

NM_001042432.2(CLN3):c.776C>A (p.Pro259Gln)

Gene: CLN3 (CLN3 lysosomal/endosomal transmembrane protein, battenin; minus strand). Cytogenetic location: 16p12.1.
Variant type: single nucleotide variant.
Coding change: c.776C>A on transcript NM_001042432.2 (MANE Select); coding-DNA position 776, C replaced by A.
Protein change: p.Pro259Gln; replaces proline 259 with glutamine.
Molecular consequence: missense variant.
Genome position (GRCh38, 1-based): chr16:28,484,020, G>T on the plus strand (C>A on the coding strand, the complement: CLN3 is on the minus strand). VCF-style: chr16-28484020-G-T. GRCh37 (hg19) VCF-style: chr16-28495341-G-T.
Other names: c.776C>A, p.Pro259Gln (NM_000086.2); c.704C>A, p.Pro235Gln (NM_001286104.2); c.476C>A, p.Pro159Gln (NM_001286105.2); c.542C>A, p.Pro181Gln (NM_001286109.2); c.614C>A, p.Pro205Gln (NM_001286110.2); short protein forms P159Q, P205Q, P259Q, P235Q, P181Q.
Identifiers: ClinVar variation 1366554 (VCV001366554.5), dbSNP rs137858807, ClinGen allele CA395344718.